The following is an entry in ClinVar:

ClinVar aggregate classification (germline): Uncertain significance (1 of 4 stars; one submission).

Conditions:
Brugada syndrome. Also called: Sudden unexpected nocturnal death syndrome; Sudden unexplained nocturnal death syndrome; Sudden Unexplained Death Syndrome; Sudden Unexplained Nocturnal Death Syndrome (SUNDS). Identifiers: Orphanet 130, MedGen C1142166, MONDO:0015263.

Allele frequency attached by ClinVar (database versions not stated): gnomAD exomes below 0.00001.
gnomAD v4.1: 1 of 1,613,472 alleles (0.000062%); highest among the groups gnomAD compares: Non-Finnish European, 0.000085%; no homozygotes.

Submission:

Labcorp Genetics (formerly Invitae), Labcorp
Classification: Uncertain significance for Brugada syndrome. Last evaluated: 2022-02-25. Review status: criteria provided, single submitter. Criteria: Invitae Variant Classification Sherloc (09022015). Collection method: clinical testing. Allele origin: germline.
Comment: This variant is not present in population databases (gnomAD no frequency). In summary, the available evidence is currently insufficient to determine the role of this variant in disease. Therefore, it has been classified as a Variant of Uncertain Significance. Advanced modeling of protein sequence and biophysical properties (such as structural, functional, and spatial information, amino acid conservation, physicochemical variation, residue mobility, and thermodynamic stability) performed at Invitae indicates that this missense variant is not expected to disrupt SCN10A protein function. This variant has not been reported in the literature in individuals affected with SCN10A-related conditions. This sequence change replaces isoleucine, which is neutral and non-polar, with leucine, which is neutral and non-polar, at codon 1120 of the SCN10A protein (p.Ile1120Leu).

NM_006514.4(SCN10A):c.3358A>C (p.Ile1120Leu)

Genes: SCN10A (sodium voltage-gated channel alpha subunit 10; minus strand), LOC110121288 (VISTA enhancer hs2268; plus strand). Cytogenetic location: 3p22.2.
Variant type: single nucleotide variant.
Coding change: c.3358A>C on transcript NM_006514.4 (MANE Select); coding-DNA position 3358, A replaced by C.
Protein change: p.Ile1120Leu; replaces isoleucine 1120 with leucine.
Molecular consequence: missense variant.
Genome position (GRCh38, 1-based): chr3:38,722,407, T>G on the plus strand (A>C on the coding strand, the complement: SCN10A is on the minus strand). VCF-style: chr3-38722407-T-G. GRCh37 (hg19) VCF-style: chr3-38763898-T-G.
Other names: c.3355A>C, p.Ile1119Leu (NM_001293306.2); c.3064A>C, p.Ile1022Leu (NM_001293307.2); short protein forms I1119L, I1022L, I1120L.
Identifiers: ClinVar variation 2103181 (VCV002103181.4), dbSNP rs1166775380, ClinGen allele CA352155806.